The following is an entry in ClinVar:

NM_004208.4(AIFM1):c.-123G>C

Genes: AIFM1 (apoptosis inducing factor mitochondria associated 1; minus strand), RAB33A (RAB33A, member RAS oncogene family; plus strand), LOC130068679 (ATAC-STARR-seq lymphoblastoid active region 29939; plus strand). Cytogenetic location: Xq26.1.
Variant type: single nucleotide variant.
Coding change: c.-123G>C on transcript NM_004208.4 (MANE Select); 123 bases upstream of the start codon, G replaced by C.
Molecular consequence: 5 prime UTR variant. On other transcripts: non-coding transcript variant (1).
Genome position (GRCh38, 1-based): chrX:130,165,779, C>G on the plus strand (G>C on the coding strand, the complement: AIFM1 is on the minus strand). VCF-style: chrX-130165779-C-G. GRCh37 (hg19) VCF-style: chrX-129299753-C-G.
Other names: c.-123G>C (NM_001130847.4, NM_145812.3).
Identifiers: ClinVar variation 162472 (VCV000162472.2), dbSNP rs724160014, ClinGen allele CA175053.

ClinVar aggregate classification (germline): Likely pathogenic (0 of 4 stars; one submission).

Conditions:
Deafness, X-linked 5 (DFNX5). Also called: DEAFNESS, X-LINKED 5, WITH PERIPHERAL NEUROPATHY; AUDITORY NEUROPATHY, X-LINKED, 1, WITH PERIPHERAL SENSORY NEUROPATHY. Identifiers: Orphanet 139583, MedGen C1845095, OMIM 300614.

Allele frequency attached by ClinVar (database versions not stated): TOPMed 0.00002; 1000 Genomes Project 30x 0.00021; 1000 Genomes Project 0.00026.
gnomAD v4.1: 12 of 605,162 alleles (0.002%); highest among the groups gnomAD compares: East Asian, 0.036%; no homozygotes.

Submission:

Deafness Gene Diagnosis, Xijing Hospital
Classification: Likely pathogenic for Deafness, X-linked 5. Review status: no assertion criteria provided. Collection method: clinical testing. Allele origin: unknown. Inheritance: Sporadic. Affected: yes. Observed: 1 variant allele, 1 homozygote.
Comment: missense mutation in conserved position, not detected in normal control (118 people), and Mutationtaster predicted as Disease Causing